The following is an entry in ClinVar:

ClinVar aggregate classification (germline): Uncertain significance. Review status: criteria provided, single submitter (1 of 4 stars). 2 submissions from 2 submitters: Uncertain significance (1). 1 of the submissions does not count toward it. Last evaluated 2024-01-18.

Conditions:
Usher syndrome type 2A. Also called: RETINAL DISEASE IN USHER SYNDROME TYPE IIA, MODIFIER OF; USHER SYNDROME, TYPE IIA. Identifiers: Orphanet 231178, Orphanet 886, MedGen C1848634, MONDO:0010169, OMIM 276901.

Allele frequency attached by ClinVar (database versions not stated): ExAC 0.00001; gnomAD exomes 0.00001.
gnomAD v4.1: 3 of 1,613,172 alleles (0.00019%); highest among the groups gnomAD compares: Admixed American, 0.005%; no homozygotes.

Submissions (2):

Labcorp Genetics (formerly Invitae), Labcorp
Classification: Uncertain significance. Last evaluated: 2024-01-18. Review status: criteria provided, single submitter. Criteria: Invitae Variant Classification Sherloc (09022015). Collection method: clinical testing. Allele origin: germline.
Comment: This sequence change falls in intron 39 of the USH2A gene. It does not directly change the encoded amino acid sequence of the USH2A protein. It affects a nucleotide within the consensus splice site. This variant is present in population databases (rs768233894, gnomAD 0.006%). This variant has not been reported in the literature in individuals affected with USH2A-related conditions. ClinVar contains an entry for this variant (Variation ID: 859797). Variants that disrupt the consensus splice site are a relatively common cause of aberrant splicing (PMID: 17576681, 9536098). Algorithms developed to predict the effect of sequence changes on RNA splicing suggest that this variant is not likely to affect RNA splicing. In summary, the available evidence is currently insufficient to determine the role of this variant in disease. Therefore, it has been classified as a Variant of Uncertain Significance.

Natera, Inc.
Classification: Uncertain significance for Usher syndrome type 2A. Last evaluated: 2020-10-27. Review status: no assertion criteria provided. Collection method: clinical testing. Allele origin: germline. Not counted in ClinVar's aggregate classification.

Literature cited by the submitters: PubMed 17576681 (cited by Labcorp Genetics (formerly Invitae), Labcorp); PubMed 9536098 (cited by Labcorp Genetics (formerly Invitae), Labcorp).

NM_206933.4(USH2A):c.7452-3C>T

Gene: USH2A (usherin; minus strand). Cytogenetic location: 1q41.
Variant type: single nucleotide variant.
Coding change: c.7452-3C>T on transcript NM_206933.4 (MANE Select); 3 bases into the intron before coding-DNA position 7452, C replaced by T.
Molecular consequence: intron variant.
Genome position (GRCh38, 1-based): chr1:215,900,220, G>A on the plus strand (C>T on the coding strand, the complement: USH2A is on the minus strand). VCF-style: chr1-215900220-G-A. GRCh37 (hg19) VCF-style: chr1-216073562-G-A.
Identifiers: ClinVar variation 859797 (VCV000859797.10), dbSNP rs768233894, ClinGen allele CA1394836.